The following is an entry in ClinVar:

ClinVar aggregate classification (germline): Conflicting classifications of pathogenicity. Review status: criteria provided, conflicting classifications (1 of 4 stars). 2 submissions from 2 submitters: Uncertain significance (1); Likely benign (1). Last evaluated 2022-11-19.

Conditions:
Genitopatellar syndrome (GTPTS). Also called: Genitopatellar syndrome (GPS); ABSENT PATELLAE, SCROTAL HYPOPLASIA, RENAL ANOMALIES, FACIAL DYSMORPHISM, AND MENTAL RETARDATION. Identifiers: Orphanet 85201, MedGen C1853566, MONDO:0011640, OMIM 606170.
Inborn genetic diseases. Identifiers: MedGen C0950123, MeSH D030342.

Allele frequency attached by ClinVar (database versions not stated): gnomAD 0.00001; TOPMed 0.00002; ExAC 0.00006; 1000 Genomes Project 30x 0.00016; 1000 Genomes Project 0.00020.
gnomAD v4.1: 32 of 1,614,176 alleles (0.002%); highest among the groups gnomAD compares: South Asian, 0.02%; no homozygotes.

Submissions (2):

Labcorp Genetics (formerly Invitae), Labcorp
Classification: Uncertain significance for Genitopatellar syndrome. Last evaluated: 2022-11-19. Review status: criteria provided, single submitter. Criteria: Invitae Variant Classification Sherloc (09022015). Collection method: clinical testing. Allele origin: germline.
Comment: This sequence change replaces arginine, which is basic and polar, with histidine, which is basic and polar, at codon 1135 of the KAT6B protein (p.Arg1135His). This variant is present in population databases (rs138617006, gnomAD 0.02%). This variant has not been reported in the literature in individuals affected with KAT6B-related conditions. Advanced modeling of protein sequence and biophysical properties (such as structural, functional, and spatial information, amino acid conservation, physicochemical variation, residue mobility, and thermodynamic stability) performed at Invitae indicates that this missense variant is not expected to disrupt KAT6B protein function. In summary, the available evidence is currently insufficient to determine the role of this variant in disease. Therefore, it has been classified as a Variant of Uncertain Significance.

Ambry Genetics
Classification: Likely benign for Inborn genetic diseases. Last evaluated: 2022-02-04. Review status: criteria provided, single submitter. Criteria: Ambry Variant Classification Scheme 2023. Collection method: clinical testing. Allele origin: germline.

NM_012330.4(KAT6B):c.3404G>A (p.Arg1135His)

Gene: KAT6B (lysine acetyltransferase 6B; plus strand). Cytogenetic location: 10q22.2.
Variant type: single nucleotide variant.
Coding change: c.3404G>A on transcript NM_012330.4 (MANE Select); coding-DNA position 3404, G replaced by A.
Protein change: p.Arg1135His; replaces arginine 1135 with histidine.
Molecular consequence: missense variant.
Genome position (GRCh38, 1-based): chr10:75,024,989, G>A. VCF-style: chr10-75024989-G-A. GRCh37 (hg19) VCF-style: chr10-76784747-G-A.
Other names: c.3404G>A (NM_012330.2); c.2855G>A, p.Arg952His (NM_001256468.2, NM_001370138.1); c.2528G>A, p.Arg843His (NM_001256469.2, NM_001370139.1, NM_001370140.1 and 2 more transcripts); c.2366G>A, p.Arg789His (NM_001370132.1); c.1715G>A, p.Arg572His (NM_001370133.1); c.1319G>A, p.Arg440His (NM_001370134.1); c.1061G>A, p.Arg354His (NM_001370135.1); c.3404G>A, p.Arg1135His (NM_001370136.1, NM_001370137.1); and 1 more; short protein forms R1135H, R440H, R572H, R789H, R952H, R354H, R843H, R780H.
Identifiers: ClinVar variation 2265427 (VCV002265427.5), dbSNP rs138617006, ClinGen allele CA5564826.
Genomic context (GRCh38, chr10:75,024,989, plus strand): 5'-TTATGTGTTATGTTTGGAATTAATTTCAGAGGCCTTTTGTACTAAAGAAGAAAAGGGGTC[G>A]TAAACGCAGGAGGATCAACAGCAGTGTAACAACAGAGACCATTTCAGAGACGACAGAAGT-3'
Protein context (NP_036462.2, residues 1125-1145): RPFVLKKKRG[Arg1135His]KRRRINSSVT